The following is an entry in ClinVar:

NM_007055.4(POLR3A):c.1649A>G (p.Tyr550Cys)

Gene: POLR3A (RNA polymerase III subunit A; minus strand). Cytogenetic location: 10q22.3.
Variant type: single nucleotide variant.
Coding change: c.1649A>G on transcript NM_007055.4 (MANE Select); coding-DNA position 1649, A replaced by G.
Protein change: p.Tyr550Cys; replaces tyrosine 550 with cysteine.
Molecular consequence: missense variant.
Genome position (GRCh38, 1-based): chr10:78,009,985, T>C on the plus strand (A>G on the coding strand, the complement: POLR3A is on the minus strand). VCF-style: chr10-78009985-T-C. GRCh37 (hg19) VCF-style: chr10-79769743-T-C.
Other names: short protein forms Y550C.
Identifiers: ClinVar variation 301070 (VCV000301070.9), dbSNP rs886047289, ClinGen allele CA10632429.

ClinVar aggregate classification (germline): Conflicting classifications of pathogenicity. Review status: criteria provided, conflicting classifications (1 of 4 stars). 2 submissions from 2 submitters: Likely pathogenic (1); Uncertain significance (1). Last evaluated 2022-09-02.

Conditions:
Leukodystrophy, hypomyelinating, 7, with or without oligodontia and/or hypogonadotropic hypogonadism (HLD7). Also called: LEUKOENCEPHALOPATHY, HYPOMYELINATING, WITH ATAXIA AND DELAYED DENTITION; ATAXIA, DELAYED DENTITION, AND HYPOMYELINATION; LEUKODYSTROPHY, HYPOMYELINATING, 7, WITH OLIGODONTIA; LEUKODYSTROPHY, HYPOMYELINATING, 7, WITH OLIGODONTIA AND HYPOGONADOTROPIC HYPOGONADISM; LEUKODYSTROPHY, HYPOMYELINATING, 7, WITHOUT OLIGODONTIA OR HYPOGONADOTROPIC HYPOGONADISM; Ataxia, Delayed Dentition and Hypomyelination (ADDH). Identifiers: Orphanet 137639, Orphanet 447893, Orphanet 447896, Orphanet 77295, Orphanet 88637, MedGen CN034185, MONDO:0011897, OMIM 607694.

gnomAD v4.1: 6 of 1,614,012 alleles (0.00037%); highest among the groups gnomAD compares: East Asian, 0.0067%; no homozygotes.

Submissions (2):

Victorian Clinical Genetics Services, Murdoch Childrens Research Institute
Classification: Likely pathogenic for Leukodystrophy, hypomyelinating, 7, with or without oligodontia and/or hypogonadotropic hypogonadism. Last evaluated: 2022-09-02. Review status: criteria provided, single submitter. Criteria: ACMG Guidelines, 2015. Collection method: clinical testing. Allele origin: germline. Inheritance: Autosomal dominant inheritance. Affected: yes.
Comment: Based on the classification scheme VCGS_Germline_v1.3.4, this variant is classified as Likely pathogenic. Following criteria are met: 0102 - Loss of function is a known mechanism of disease in this gene and is associated with leukodystrophy, hypomyelinating, 7, with or without oligodontia and/or hypogonadotropic hypogonadism (MIM#607694) and Wiedemann-Rautenstrauch syndrome (MIM#264090). (I) 0106 - This gene is associated with autosomal recessive disease. (I) 0200 - Variant is predicted to result in a missense amino acid change from tyrosine to cysteine. (I) 0252 - This variant is homozygous. (I) 0301 - Variant is absent from gnomAD (both v2 and v3). (SP) 0501 - Missense variant consistently predicted to be damaging by multiple in silico tools or highly conserved with a major amino acid change. (SP) 0603 - Missense variant in a region that is highly intolerant to missense variation (high constraint region in DECIPHER). (SP) 0705 - No comparable missense variants have previous evidence for pathogenicity. (I) 0807 - This variant has no previous evidence of pathogenicity. (I) 0905 - No published segregation evidence has been identified for this variant. (I) 1007 - No published functional evidence has been identified for this variant. (I) 1102 - Strong phenotype match for this individual. (I) Legend: (SP) - Supporting pathogenic, (I) - Information, (SB) - Supporting benign

Illumina Laboratory Services, Illumina
Classification: Uncertain significance for Leukodystrophy, hypomyelinating, 7, with or without oligodontia and/or hypogonadotropic hypogonadism. Last evaluated: 2018-01-13. Review status: criteria provided, single submitter. Criteria: ICSL Variant Classification Criteria 13 December 2019. Collection method: clinical testing. Allele origin: germline.